The following is an entry in ClinVar:

ClinVar aggregate classification (germline): Uncertain significance. Review status: criteria provided, multiple submitters, no conflicts (2 of 4 stars). 2 submissions from 2 submitters: Uncertain significance (2). Last evaluated 2022-03-02.

Conditions:
Inborn genetic diseases. Identifiers: MedGen C0950123, MeSH D030342.

Allele frequency attached by ClinVar (database versions not stated): gnomAD exomes 0.00001 and 0.00005; ExAC 0.00007; ESP Exome Variant Server 0.00015; gnomAD 0.00016 and 0.00019; TOPMed 0.00018.
gnomAD v4.1: 44 of 1,607,978 alleles (0.0027%); highest among the groups gnomAD compares: African/African-American, 0.057%; no homozygotes.

Submissions (2):

Labcorp Genetics (formerly Invitae), Labcorp
Classification: Uncertain significance. Last evaluated: 2022-03-02. Review status: criteria provided, single submitter. Criteria: Invitae Variant Classification Sherloc (09022015). Collection method: clinical testing. Allele origin: germline.
Comment: Algorithms developed to predict the effect of missense changes on protein structure and function (SIFT, PolyPhen-2, Align-GVGD) all suggest that this variant is likely to be disruptive. In summary, the available evidence is currently insufficient to determine the role of this variant in disease. Therefore, it has been classified as a Variant of Uncertain Significance. This variant has not been reported in the literature in individuals affected with CCDC8-related conditions. This sequence change replaces asparagine, which is neutral and polar, with tyrosine, which is neutral and polar, at codon 101 of the CCDC8 protein (p.Asn101Tyr). This variant is present in population databases (rs375027255, gnomAD 0.08%).

Ambry Genetics
Classification: Uncertain significance for Inborn genetic diseases. Last evaluated: 2021-10-27. Review status: criteria provided, single submitter. Criteria: Ambry Variant Classification Scheme 2023. Collection method: clinical testing. Allele origin: germline.

NM_032040.5(CCDC8):c.301A>T (p.Asn101Tyr)

Gene: CCDC8 (coiled-coil domain containing 8; minus strand). Cytogenetic location: 19q13.32.
Variant type: single nucleotide variant.
Coding change: c.301A>T on transcript NM_032040.5 (MANE Select); coding-DNA position 301, A replaced by T.
Protein change: p.Asn101Tyr; replaces asparagine 101 with tyrosine.
Molecular consequence: missense variant.
Genome position (GRCh38, 1-based): chr19:46,412,510, T>A on the plus strand (A>T on the coding strand, the complement: CCDC8 is on the minus strand). VCF-style: chr19-46412510-T-A. GRCh37 (hg19) VCF-style: chr19-46915767-T-A.
Other names: c.301A>T (NM_032040.3); short protein forms N101Y.
Identifiers: ClinVar variation 1405460 (VCV001405460.6), dbSNP rs375027255, ClinGen allele CA9528738.
Genomic context (GRCh38, chr19:46,412,510, plus strand): 5'-GGCCCTGGCGGCTCTTGTCTCTGGAGGTCTCGAAGTCGCTGAACTCGCTGTCGCTGGCGT[T>A]GCTGCTGTCGTACGTGCCCACGACCAGCCGGGGCGGAGGAGTCACCATCTGCTGCACTCT-3'
Protein context (NP_114429.2, residues 91-111): RLVVGTYDSS[Asn101Tyr]ASDSEFSDFE